The following is an entry in ClinVar:

ClinVar aggregate classification (germline): Likely pathogenic (1 of 4 stars; one submission).

Submission:

GeneDx
Classification: Likely pathogenic. Last evaluated: 2022-02-09. Review status: criteria provided, single submitter. Criteria: GeneDx Variant Classification Process June 2021. Collection method: clinical testing. Allele origin: germline. Affected: yes.
Comment: Nonsense variant in the C-terminus predicted to result in protein truncation, as the last 26 amino acids are lost, and other loss-of-function variants have been reported downstream in HGMD; Not observed at significant frequency in large population cohorts (gnomAD); Identified via single gene testing in an individual with multiple midline defects and neurodevelopmental delays (Ribeiro et al., 2005); This variant is associated with the following publications: (PMID: 15942944)

NM_000193.4(SHH):c.1309C>T (p.Gln437Ter)

Gene: SHH (sonic hedgehog signaling molecule; minus strand). Cytogenetic location: 7q36.3.
Variant type: single nucleotide variant.
Coding change: c.1309C>T on transcript NM_000193.4 (MANE Select); coding-DNA position 1309, C replaced by T.
Protein change: p.Gln437Ter; replaces glutamine 437 with a stop codon.
Molecular consequence: nonsense. On other transcripts: intron variant (1).
Genome position (GRCh38, 1-based): chr7:155,802,980, G>A on the plus strand (C>T on the coding strand, the complement: SHH is on the minus strand). VCF-style: chr7-155802980-G-A. GRCh37 (hg19) VCF-style: chr7-155595674-G-A.
Other names: c.302-2735C>T (NM_001310462.2); short protein forms Q437*.
Identifiers: ClinVar variation 1702788 (VCV001702788.2), dbSNP rs2117124880, ClinGen allele CA370144044.
Genomic context (GRCh38, chr7:155,802,980, plus strand): 5'-TGCCCAGCGGGTGCAGGGCCTCGCTGTCCAGGAGCCAGGTGCCTATTTGGTAGAGCAGCT[G>A]CGAGTACCAGTGGATGCCCGCGGTGGCCCCCGCACCCGGAGCGTCGGCAGCACCTGGAGC-3'